The following is an entry in ClinVar:

ClinVar aggregate classification (germline): Likely benign. Review status: criteria provided, multiple submitters, no conflicts (2 of 4 stars). 2 submissions from 2 submitters: Likely benign (2). Last evaluated 2025-10-22.

Conditions:
Hereditary spastic paraplegia 48. Also called: SPASTIC PARAPLEGIA 48, AUTOSOMAL RECESSIVE; Spastic paraplegia 48. Identifiers: Orphanet 306511, MedGen C3150901, MONDO:0013342, OMIM 613647.

Allele frequency attached by ClinVar (database versions not stated): TOPMed 0.00017; gnomAD 0.00019; gnomAD exomes 0.00021 and 0.00023; ExAC 0.00023; ESP Exome Variant Server 0.00024.

Submissions (2):

Labcorp Genetics (formerly Invitae), Labcorp
Classification: Likely benign for Hereditary spastic paraplegia 48. Last evaluated: 2025-10-22. Review status: criteria provided, single submitter. Criteria: Invitae Variant Classification Sherloc (09022015). Collection method: clinical testing. Allele origin: germline.

CeGaT Center for Human Genetics Tuebingen
Classification: Likely benign. Last evaluated: 2025-04-01. Review status: criteria provided, single submitter. Criteria: CeGaT Center For Human Genetics Tuebingen Variant Classification Criteria Version 2. Collection method: clinical testing. Allele origin: germline. Affected: yes. Observed: 2 variant alleles.
Comment: AP5Z1: BP4, BP7

NM_014855.3(AP5Z1):c.258C>T (p.Cys86=)

Gene: AP5Z1 (adaptor related protein complex 5 subunit zeta 1; plus strand). Cytogenetic location: 7p22.1.
Variant type: single nucleotide variant.
Coding change: c.258C>T on transcript NM_014855.3 (MANE Select); coding-DNA position 258, C replaced by T.
Protein change: p.Cys86=; no amino-acid change (cysteine 86 retained).
Molecular consequence: synonymous variant. On other transcripts: non-coding transcript variant (1), intron variant (1).
Genome position (GRCh38, 1-based): chr7:4,781,646, C>T. VCF-style: chr7-4781646-C-T. GRCh37 (hg19) VCF-style: chr7-4821277-C-T.
Other names: c.-103+334C>T (NM_001364858.1); c.258C>T, p.Cys86= (LRG_1247t1).
Identifiers: ClinVar variation 538866 (VCV000538866.30), dbSNP rs369050534, ClinGen allele CA4137123.